The following is an entry in ClinVar:

ClinVar aggregate classification (germline): Uncertain significance (1 of 4 stars; one submission).

Conditions:
Congenital heart disease (CHD). Identifiers: MedGen C0152021, MONDO:0005453. Disease mechanism: unknown.

Submission:

Embryology Laboratory, Victor Chang Cardiac Research Institute
Classification: Uncertain significance for Congenital heart disease. Review status: criteria provided, single submitter. Criteria: ACMG Guidelines, 2015. Collection method: research. Allele origin: de novo. Inheritance: Sporadic. Affected: yes. Observed: 1 variant allele.
Comment: The deletion encompasses seven protein-coding genes including SMAD5. Of the seven genes, only SMAD5 is constrained against LOF (pLI=1.0, LOEUF=0.17) on the gnomAD database. Smad5 knock-out in animal models lead to congenital defects and embryonic lethality (PMID 10079226, 10677256, 10079220). At time of submission, SMAD5 variants are not associated with congenital heart defects, therefore the clinical significance of this variant cannot be assessed.

GRCh38/hg38 5q31.1-31.2(chr5:135837017-137152754)x1

Genes: CTB-1I21.1 (uncharacterized CTB-1I21.1; plus strand), IL9 (interleukin 9; minus strand), LECT2 (leukocyte cell derived chemotaxin 2; minus strand), SLC25A48 (solute carrier family 25 member 48; plus strand), SMAD5 (SMAD family member 5; plus strand) and 24 more. Cytogenetic location: 5q31.1-31.2.
Variant type: copy number loss.
Change: copy number 1 (one copy instead of two) of chr5:135,837,017-137,152,754 (1.32 Mb, GRCh38 coordinates, 1-based), cytogenetic band 5q31.1-31.2.
Identifiers: ClinVar variation 3731294 (VCV003731294.1).